The following is an entry in ClinVar:

ClinVar aggregate classification (germline): Uncertain significance (1 of 4 stars; one submission).

Submission:

GeneDx
Classification: Uncertain significance. Last evaluated: 2024-05-22. Review status: criteria provided, single submitter. Criteria: GeneDx Variant Classification Process June 2021. Collection method: clinical testing. Allele origin: germline. Affected: yes.
Comment: Not observed at significant frequency in large population cohorts (gnomAD); In silico analysis supports that this missense variant has a deleterious effect on protein structure/function; Has not been previously published as pathogenic or benign to our knowledge

NM_004208.4(AIFM1):c.1607C>T (p.Ser536Phe)

Genes: AIFM1 (apoptosis inducing factor mitochondria associated 1; minus strand), RAB33A (RAB33A, member RAS oncogene family; plus strand). Cytogenetic location: Xq26.1.
Variant type: single nucleotide variant.
Coding change: c.1607C>T on transcript NM_004208.4 (MANE Select); coding-DNA position 1607, C replaced by T.
Protein change: p.Ser536Phe; replaces serine 536 with phenylalanine.
Molecular consequence: missense variant. On other transcripts: 3 prime UTR variant (1), non-coding transcript variant (1).
Genome position (GRCh38, 1-based): chrX:130,130,133, G>A on the plus strand (C>T on the coding strand, the complement: AIFM1 is on the minus strand). VCF-style: chrX-130130133-G-A. GRCh37 (hg19) VCF-style: chrX-129264108-G-A.
Other names: c.590C>T, p.Ser197Phe (NM_001130846.4); c.*835C>T (NM_001130847.4); c.1595C>T, p.Ser532Phe (NM_145812.3); short protein forms S197F, S532F, S536F.
Identifiers: ClinVar variation 3381711 (VCV003381711.1).